The following is an entry in ClinVar:

NM_001184880.2(PCDH19):c.1683_1696del (p.Val562fs)

Gene: PCDH19 (protocadherin 19; minus strand). Cytogenetic location: Xq22.1.
Variant type: Deletion.
Coding change: c.1683_1696del on transcript NM_001184880.2 (MANE Select); coding-DNA positions 1683 to 1696, 14 bases deleted (GGTCATCACAGCCC).
Protein change: p.Val562fs; shifts the reading frame from valine 562.
Molecular consequence: frameshift variant.
Genome position (GRCh38, 1-based): chrX:100,406,902-100,406,915, GGGCTGTGATGACC deleted on the plus strand (GGTCATCACAGCCC on the coding strand, the reverse complement: PCDH19 is on the minus strand); deleting any 14 consecutive bases within chrX:100,406,902-100,406,918 gives the same sequence; the c. name uses the placement nearest the transcript's 3' end. VCF-style (leftmost placement, unchanged base first): chrX-100406901-GGGGCTGTGATGACC-G. GRCh37 (hg19) VCF-style: chrX-99661899-GGGGCTGTGATGACC-G.
Other names: c.1683_1696del, p.Val562fs (NM_001105243.2, NM_020766.3); short protein forms V562fs.
Identifiers: ClinVar variation 206356 (VCV000206356.1), dbSNP rs796052832, ClinGen allele CA316405.

ClinVar aggregate classification (germline): Pathogenic (1 of 4 stars; one submission).

Submission:

GeneDx
Classification: Pathogenic. Last evaluated: 2014-04-30. Review status: criteria provided, single submitter. Criteria: GeneDx Variant Classification (06012015). Collection method: clinical testing. Allele origin: germline. Affected: yes.
Comment: This variant is denoted c.1683_1696delGGTCATCACAGCCC: p.Val562ThrfsX4 (V562TfsX4) in exon 1 of the PCDH19 gene (NM_001105243.1). The normal sequence with the bases that are deleted in braces is: ACCCC{GGTCATCACAGCCC}CACC. The c.1683_1696delGGTCATCACAGCCC mutation in the PCDH19 gene causes a frameshift starting with codon Valine 562, changes this amino acid to a Threonine residue and creates a premature Stop codon at position 14 of the new reading frame, denoted p.Val562ThrfsX4. This mutation is predicted to cause loss of normal protein function either through protein truncation or nonsense-mediated mRNA decay. Although this mutation has not been previously reported to our knowledge, other frameshift mutations in the PCDH19 gene have been published in association with epilepsy. The variant is found in INFANT-EPI panel(s).